The following is an entry in ClinVar:

NM_006904.7(PRKDC):c.863A>T (p.Asp288Val)

Gene: PRKDC (protein kinase, DNA-activated, catalytic subunit; minus strand). Cytogenetic location: 8q11.21.
Variant type: single nucleotide variant.
Coding change: c.863A>T on transcript NM_006904.7 (MANE Select); coding-DNA position 863, A replaced by T.
Protein change: p.Asp288Val; replaces aspartic acid 288 with valine.
Molecular consequence: missense variant.
Genome position (GRCh38, 1-based): chr8:47,943,312, T>A on the plus strand (A>T on the coding strand, the complement: PRKDC is on the minus strand). VCF-style: chr8-47943312-T-A. GRCh37 (hg19) VCF-style: chr8-48855872-T-A.
Other names: c.863A>T, p.Asp288Val (NM_001081640.2); short protein forms D288V.
Identifiers: ClinVar variation 2044244 (VCV002044244.4), dbSNP rs2551880628, ClinGen allele CA371136208.

ClinVar aggregate classification (germline): Uncertain significance (1 of 4 stars; one submission).

Conditions:
Severe combined immunodeficiency due to DNA-PKcs deficiency. Also called: IMMUNODEFICIENCY 26 WITH NEUROLOGIC ABNORMALITIES; Immunodeficiency 26 with or without neurologic abnormalities. Identifiers: Orphanet 317425, MedGen C4014833, MONDO:0014423, OMIM 615966.

Submission:

Labcorp Genetics (formerly Invitae), Labcorp
Classification: Uncertain significance for Severe combined immunodeficiency due to DNA-PKcs deficiency. Last evaluated: 2022-07-06. Review status: criteria provided, single submitter. Criteria: Invitae Variant Classification Sherloc (09022015). Collection method: clinical testing. Allele origin: germline.
Comment: This sequence change replaces aspartic acid, which is acidic and polar, with valine, which is neutral and non-polar, at codon 288 of the PRKDC protein (p.Asp288Val). In summary, the available evidence is currently insufficient to determine the role of this variant in disease. Therefore, it has been classified as a Variant of Uncertain Significance. Experimental studies and prediction algorithms are not available or were not evaluated, and the functional significance of this variant is currently unknown. This variant has not been reported in the literature in individuals affected with PRKDC-related conditions. This variant is not present in population databases (gnomAD no frequency).